The following is an entry in ClinVar:

ClinVar aggregate classification (germline): Likely benign. Review status: criteria provided, multiple submitters, no conflicts (2 of 4 stars). 3 submissions from 3 submitters: Likely benign (3). Last evaluated 2025-02-18.

Conditions:
Early-infantile DEE. Also called: Ohtahara syndrome; Early infantile epileptic encephalopathy; Early infantile epileptic encephalopathy with suppression bursts. Identifiers: Orphanet 1934, MedGen C0393706, MONDO:0800491.

Allele frequency attached by ClinVar (database versions not stated): TOPMed below 0.00001; gnomAD 0.00001; gnomAD exomes 0.00001 and 0.00002; ExAC 0.00002.
gnomAD v4.1: 36 of 1,605,394 alleles (0.0022%); highest among the groups gnomAD compares: Non-Finnish European, 0.0028%; no homozygotes.

Submissions (3):

Labcorp Genetics (formerly Invitae), Labcorp
Classification: Likely benign for Early-infantile DEE. Last evaluated: 2025-02-18. Review status: criteria provided, single submitter. Criteria: Invitae Variant Classification Sherloc (09022015). Collection method: clinical testing. Allele origin: germline.

Blueprint Genetics
Classification: Likely benign. Last evaluated: 2022-12-05. Review status: criteria provided, single submitter. Criteria: ACMG Guidelines, 2015. Collection method: clinical testing. Allele origin: germline.

GeneDx
Classification: Likely benign. Last evaluated: 2015-10-27. Review status: criteria provided, single submitter. Criteria: GeneDx Variant Classification (06012015). Collection method: clinical testing. Allele origin: germline. Affected: yes.
Comment: This variant is considered likely benign or benign based on one or more of the following criteria: it is a conservative change, it occurs at a poorly conserved position in the protein, it is predicted to be benign by multiple in silico algorithms, and/or has population frequency not consistent with disease.

NM_172107.4(KCNQ2):c.817-5C>T

Gene: KCNQ2 (potassium voltage-gated channel subfamily Q member 2; minus strand). Cytogenetic location: 20q13.33.
Variant type: single nucleotide variant.
Coding change: c.817-5C>T on transcript NM_172107.4 (MANE Select); 5 bases into the intron before coding-DNA position 817, C replaced by T.
Molecular consequence: intron variant.
Genome position (GRCh38, 1-based): chr20:63,439,713, G>A on the plus strand (C>T on the coding strand, the complement: KCNQ2 is on the minus strand). VCF-style: chr20-63439713-G-A. GRCh37 (hg19) VCF-style: chr20-62071066-G-A.
Other names: c.817-5C>T (NM_004518.6, NM_172108.5, NM_172106.3 and 1 more transcripts).
Identifiers: ClinVar variation 381339 (VCV000381339.12), dbSNP rs774780027, ClinGen allele CA9958714.